The following is an entry in ClinVar:

ClinVar aggregate classification (germline): Uncertain significance (1 of 4 stars; one submission).

Conditions:
Hyperinsulinism-hyperammonemia syndrome (HHF6). Identifiers: Orphanet 35878, MedGen C1847555, MONDO:0011717, OMIM 606762.

gnomAD v4.1: 3 of 1,611,924 alleles (0.00019%); highest among the groups gnomAD compares: Non-Finnish European, 0.00025%; no homozygotes.

Submission:

Labcorp Genetics (formerly Invitae), Labcorp
Classification: Uncertain significance for Hyperinsulinism-hyperammonemia syndrome. Last evaluated: 2023-10-03. Review status: criteria provided, single submitter. Criteria: Invitae Variant Classification Sherloc (09022015). Collection method: clinical testing. Allele origin: germline.
Comment: This sequence change replaces lysine, which is basic and polar, with arginine, which is basic and polar, at codon 68 of the GLUD1 protein (p.Lys68Arg). This variant is not present in population databases (gnomAD no frequency). This variant has not been reported in the literature in individuals affected with GLUD1-related conditions. ClinVar contains an entry for this variant (Variation ID: 1722022). Advanced modeling of protein sequence and biophysical properties (such as structural, functional, and spatial information, amino acid conservation, physicochemical variation, residue mobility, and thermodynamic stability) performed at Invitae indicates that this missense variant is not expected to disrupt GLUD1 protein function. In summary, the available evidence is currently insufficient to determine the role of this variant in disease. Therefore, it has been classified as a Variant of Uncertain Significance.

NM_005271.5(GLUD1):c.203A>G (p.Lys68Arg)

Genes: GLUD1 (glutamate dehydrogenase 1; minus strand), SHLD2 (shieldin complex subunit 2; plus strand). Cytogenetic location: 10q23.2.
Variant type: single nucleotide variant.
Coding change: c.203A>G on transcript NM_005271.5 (MANE Select); coding-DNA position 203, A replaced by G.
Protein change: p.Lys68Arg; replaces lysine 68 with arginine.
Molecular consequence: missense variant. On other transcripts: 5 prime UTR variant (3).
Genome position (GRCh38, 1-based): chr10:87,094,567, T>C on the plus strand (A>G on the coding strand, the complement: GLUD1 is on the minus strand). VCF-style: chr10-87094567-T-C. GRCh37 (hg19) VCF-style: chr10-88854324-T-C.
Other names: c.-526A>G (NM_001318904.2); c.-652A>G (NM_001318905.2); c.-359A>G (NM_001318906.2); short protein forms K68R.
Identifiers: ClinVar variation 1722022 (VCV001722022.5), dbSNP rs1331625391, ClinGen allele CA377456466.